The following is an entry in ClinVar:

ClinVar aggregate classification (germline): Uncertain significance (1 of 4 stars; one submission).

Conditions:
Ullrich congenital muscular dystrophy 2 (UCMD2). Identifiers: Orphanet 75840, MedGen C4225314, MONDO:0014654, OMIM 616470.
Bethlem myopathy 2 (BTHLM2). Identifiers: Orphanet 536516, Orphanet 610, MedGen C4225313, MONDO:0034022, OMIM 616471.

Allele frequency attached by ClinVar (database versions not stated): TOPMed 0.00001.
gnomAD v4.1: 3 of 1,605,506 alleles (0.00019%); highest among the groups gnomAD compares: Admixed American, 0.0034%; no homozygotes.

Submission:

Labcorp Genetics (formerly Invitae), Labcorp
Classification: Uncertain significance for Bethlem myopathy 2; Ullrich congenital muscular dystrophy 2. Last evaluated: 2022-09-02. Review status: criteria provided, single submitter. Criteria: Invitae Variant Classification Sherloc (09022015). Collection method: clinical testing. Allele origin: germline.
Comment: This sequence change replaces proline, which is neutral and non-polar, with threonine, which is neutral and polar, at codon 2304 of the COL12A1 protein (p.Pro2304Thr). This variant is present in population databases (no rsID available, gnomAD 0.006%). In summary, the available evidence is currently insufficient to determine the role of this variant in disease. Therefore, it has been classified as a Variant of Uncertain Significance. Algorithms developed to predict the effect of missense changes on protein structure and function are either unavailable or do not agree on the potential impact of this missense change (SIFT: "Deleterious"; PolyPhen-2: "Probably Damaging"; Align-GVGD: "Class C0"). ClinVar contains an entry for this variant (Variation ID: 1020191). This variant has not been reported in the literature in individuals affected with COL12A1-related conditions.

NM_004370.6(COL12A1):c.6910C>A (p.Pro2304Thr)

Gene: COL12A1 (collagen type XII alpha 1 chain; minus strand). Cytogenetic location: 6q13.
Variant type: single nucleotide variant.
Coding change: c.6910C>A on transcript NM_004370.6 (MANE Select); coding-DNA position 6910, C replaced by A.
Protein change: p.Pro2304Thr; replaces proline 2304 with threonine.
Molecular consequence: missense variant.
Genome position (GRCh38, 1-based): chr6:75,123,366, G>T on the plus strand (C>A on the coding strand, the complement: COL12A1 is on the minus strand). VCF-style: chr6-75123366-G-T. GRCh37 (hg19) VCF-style: chr6-75833082-G-T.
Other names: c.3418C>A, p.Pro1140Thr (NM_080645.3); short protein forms P1140T, P2304T.
Identifiers: ClinVar variation 1020191 (VCV001020191.9), dbSNP rs747966606, ClinGen allele CA364728102.